The following is an entry in ClinVar:

NM_001282506.2(MUC20):c.603C>T (p.Gly201=)

Gene: MUC20 (mucin 20, cell surface associated). Cytogenetic location: 3q29.
Variant type: single nucleotide variant.
Coding change: c.603C>T on transcript NM_001282506.2 (MANE Select); coding-DNA position 603, C replaced by T.
Protein change: p.Gly201=; no amino-acid change (glycine 201 retained).
Molecular consequence: synonymous variant.
Genome position (GRCh38, 1-based): chr3:195,725,206, C>T. VCF-style: chr3-195725206-C-T. GRCh37 (hg19) VCF-style: chr3-195452077-C-T.
Other names: c.603C>T, p.Gly201= (NM_152673.3).
Identifiers: ClinVar variation 3251018 (VCV003251018.18), dbSNP rs2473988562.

ClinVar aggregate classification (germline): Likely benign (1 of 4 stars; one submission).

Submission:

CeGaT Center for Human Genetics Tuebingen
Classification: Likely benign. Last evaluated: 2024-06-01. Review status: criteria provided, single submitter. Criteria: CeGaT Center For Human Genetics Tuebingen Variant Classification Criteria Version 2. Collection method: clinical testing. Allele origin: germline. Affected: yes. Observed: 1 variant allele.
Comment: MUC20: PM2:Supporting, BP4, BP7